The following is an entry in ClinVar:

ClinVar aggregate classification (germline): Likely pathogenic (1 of 4 stars; one submission).

Conditions:
Camptomelic dysplasia (CMPD). Also called: Campomelic Dysplasia; CMPD1/SRA1. Identifiers: Orphanet 140, MedGen C1861922, MONDO:0007251, OMIM 114290.

Submission:

Labcorp Genetics (formerly Invitae), Labcorp
Classification: Likely pathogenic for Camptomelic dysplasia. Last evaluated: 2025-08-18. Review status: criteria provided, single submitter. Criteria: Invitae Variant Classification Sherloc (09022015). Collection method: clinical testing. Allele origin: germline.
Comment: This sequence change replaces methionine, which is neutral and non-polar, with isoleucine, which is neutral and non-polar, at codon 113 of the SOX9 protein (p.Met113Ile). This variant is not present in population databases (gnomAD no frequency). This variant has not been reported in the literature in individuals affected with SOX9-related conditions. ClinVar contains an entry for this variant (Variation ID: 1514843). Invitae Evidence Modeling of protein sequence and biophysical properties (such as structural, functional, and spatial information, amino acid conservation, physicochemical variation, residue mobility, and thermodynamic stability) indicates that this missense variant is expected to disrupt SOX9 protein function with a positive predictive value of 95%. This variant disrupts the p.Met113 amino acid residue in SOX9. Other variant(s) that disrupt this residue have been determined to be pathogenic (PMID: 20513132). This suggests that this residue is clinically significant, and that variants that disrupt this residue are likely to be disease-causing. In summary, the currently available evidence indicates that the variant is pathogenic, but additional data are needed to prove that conclusively. Therefore, this variant has been classified as Likely Pathogenic.

Literature cited by the submitters: PubMed 20513132.

NM_000346.4(SOX9):c.339G>A (p.Met113Ile)

Genes: SOX9 (SRY-box transcription factor 9; plus strand), LOC108021846 (SOX9 promoter region; plus strand). Cytogenetic location: 17q24.3.
Variant type: single nucleotide variant.
Coding change: c.339G>A on transcript NM_000346.4 (MANE Select); coding-DNA position 339, G replaced by A.
Protein change: p.Met113Ile; replaces methionine 113 with isoleucine.
Molecular consequence: missense variant.
Genome position (GRCh38, 1-based): chr17:72,121,730, G>A. VCF-style: chr17-72121730-G-A. GRCh37 (hg19) VCF-style: chr17-70117871-G-A.
Other names: short protein forms M113I.
Identifiers: ClinVar variation 1514843 (VCV001514843.9), dbSNP rs2143240113, ClinGen allele CA400866052.